The following is an entry in ClinVar:

ClinVar aggregate classification (germline): Uncertain significance (1 of 4 stars; one submission).

Submission:

Dasa
Classification: Uncertain significance. Last evaluated: 2025-01-22. Review status: criteria provided, single submitter. Criteria: DASA Assertion Criteria. Collection method: clinical testing. Allele origin: germline.
Comment: NM_032217.5(ANKRD17):c.926C>G (p.Ala309Gly) is a missense variant that results in the substitution of alanine with glycine. This variant is rare in population databases. The currently available literature and clinical evidence are not sufficient to establish a definitive association between this variant and the reported condition. Therefore, this variant is classified as a variant of uncertain significance.

NM_032217.5(ANKRD17):c.926C>G (p.Ala309Gly)

Gene: ANKRD17 (ankyrin repeat domain 17; minus strand). Cytogenetic location: 4q13.3.
Variant type: single nucleotide variant.
Coding change: c.926C>G on transcript NM_032217.5 (MANE Select); coding-DNA position 926, C replaced by G.
Protein change: p.Ala309Gly; replaces alanine 309 with glycine.
Molecular consequence: missense variant.
Genome position (GRCh38, 1-based): chr4:73,155,705, G>C on the plus strand (C>G on the coding strand, the complement: ANKRD17 is on the minus strand). VCF-style: chr4-73155705-G-C. GRCh37 (hg19) VCF-style: chr4-74021422-G-C.
Other names: c.587C>G, p.Ala196Gly (NM_001286771.3); c.926C>G, p.Ala309Gly (NM_015574.2, NM_198889.3); short protein forms A196G, A309G.
Identifiers: ClinVar variation 4886692 (VCV004886692.2).
Genomic context (GRCh38, chr4:73,155,705, plus strand): 5'-GCATTAACATCTGCTTTATGAGCTAGCAGCAACTTCACAATTTTGACATGTCCTCCATTA[G>C]CAGCAGCCATTAAAGGTGTAATGTCACCTTTGATTCCCCTATCTTCCACATTTGCATGCA-3'
Protein context (NP_115593.3, residues 299-319): KGDITPLMAA[Ala309Gly]NGGHVKIVKL